The following is an entry in ClinVar:

NM_000059.4(BRCA2):c.3364_3370delinsATTCTTCTAATTAATTGAATCAATTAAATTCAAACTG (p.Gly1122_Gln1124delinsIleLeuLeuIleAsnTer)

Gene: BRCA2 (BRCA2 DNA repair associated; plus strand). Cytogenetic location: 13q13.1.
Variant type: Indel.
Coding change: c.3364_3370delinsATTCTTCTAATTAATTGAATCAATTAAATTCAAACTG on transcript NM_000059.4 (MANE Select); coding-DNA positions 3364 to 3370, the reference bases replaced by an inserted sequence.
Protein change: p.Gly1122_Gln1124delinsIleLeuLeuIleAsnTer.
Molecular consequence: nonsense.
Genome position (GRCh38, 1-based): chr13:32,337,719-32,337,725, 7 bases replaced. GRCh37 (hg19): chr13:32,911,856-32,911,862.
Other names: c.3364_3370delGGAAGTCinsATTCTTCTAATTAATTGAATCAATTAAATTCAAACTG (NM_000059.3).
Identifiers: ClinVar variation 545851 (VCV000545851.6), dbSNP rs1555283197, ClinGen allele CA658823665.

ClinVar aggregate classification (germline): Pathogenic. Review status: criteria provided, multiple submitters, no conflicts (2 of 4 stars). 2 submissions from 2 submitters: Pathogenic (2). Last evaluated 2024-02-15.

Conditions:
Hereditary cancer-predisposing syndrome. Also called: Neoplastic Syndromes, Hereditary; Hereditary Cancer Syndrome; Tumor predisposition; Hereditary neoplastic syndrome. Identifiers: Orphanet 140162, MedGen C0027672, MeSH D009386, MONDO:0015356.

Submissions (2):

Ambry Genetics
Classification: Pathogenic for Hereditary cancer-predisposing syndrome. Last evaluated: 2024-02-15. Review status: criteria provided, single submitter. Criteria: Ambry Variant Classification Scheme 2023. Collection method: clinical testing. Allele origin: germline.
Comment: The c.3364_3370delGGAAGTCins37 variant, located in coding exon 10 of the BRCA2 gene, results from an in-frame deletion of GGAAGTC at nucleotide positions 3364 to 3370 and insertion of 37 nucleotides. This results in the substitution of five amino acid residues at codons 1122-1126, and premature truncation of the protein at residue 1127 (p.G1122_Q1124delinsILLIN*). This alteration is expected to result in loss of function by premature protein truncation or nonsense-mediated mRNA decay. As such, this alteration is interpreted as a disease-causing mutation.

GeneDx
Classification: Pathogenic. Last evaluated: 2017-12-04. Review status: criteria provided, single submitter. Criteria: GeneDx Variant Classification (06012015). Collection method: clinical testing. Allele origin: germline. Affected: yes.
Comment: This combined deletion and insertion is denoted BRCA2 c.3364_3370delGGAAGTCins37 at the cDNA level and p.Gly1122IlefsX6 (G1122IfsX6) at the protein level. The surrounding sequence is ATCA[delGGAAGTC][ins37]AGTT. The variant causes a frameshift, which changes a Glycine to an Isoleucine at codon 1122, and creates a premature stop codon at position 6 of the new reading frame. Although this variant has not, to our knowledge, been reported in the literature, it is predicted to cause loss of normal protein function through either protein truncation or nonsense-mediated mRNA decay. Based on currently available information, we consider this to be a pathogenic variant.